The following is an entry in ClinVar:

NM_002485.5(NBN):c.333G>A (p.Glu111=)

Gene: NBN (nibrin; minus strand). Cytogenetic location: 8q21.3.
Variant type: single nucleotide variant.
Coding change: c.333G>A on transcript NM_002485.5 (MANE Select); coding-DNA position 333, G replaced by A.
Protein change: p.Glu111=; no amino-acid change (glutamic acid 111 retained).
Molecular consequence: synonymous variant.
Genome position (GRCh38, 1-based): chr8:89,980,881, C>T on the plus strand (G>A on the coding strand, the complement: NBN is on the minus strand). VCF-style: chr8-89980881-C-T. GRCh37 (hg19) VCF-style: chr8-90993109-C-T.
Other names: c.87G>A, p.Glu29= (NM_001024688.3).
Identifiers: ClinVar variation 183765 (VCV000183765.47), dbSNP rs376455714, ClinGen allele CA186384.

ClinVar aggregate classification (germline): Likely benign. Review status: criteria provided, multiple submitters, no conflicts (2 of 4 stars). 6 submissions from 6 submitters: Likely benign (6). Last evaluated 2025-12-30.

Conditions:
Hereditary cancer-predisposing syndrome. Also called: Tumor predisposition; Neoplastic Syndromes, Hereditary; Hereditary Cancer Syndrome; Hereditary neoplastic syndrome. Identifiers: Orphanet 140162, MedGen C0027672, MeSH D009386, MONDO:0015356.
Microcephaly, normal intelligence and immunodeficiency (NBS). Also called: Nijmegen breakage syndrome; Microcephaly with normal intelligence immunodeficiency and lymphoreticular malignancies; Nonsyndromal microcephaly autosomal recessive with normal intelligence; Seemanova syndrome 2; IMMUNODEFICIENCY, MICROCEPHALY, AND CHROMOSOMAL INSTABILITY; Immunodeficiency, microcephaly with normal intelligence. Identifiers: Orphanet 647, MedGen C0398791, MONDO:0009623, OMIM 251260.

Allele frequency attached by ClinVar (database versions not stated): TOPMed below 0.00001; gnomAD 0.00001; gnomAD exomes 0.00001; ExAC 0.00002; ESP Exome Variant Server 0.00008.
gnomAD v4.1: 14 of 1,612,510 alleles (0.00087%); highest among the groups gnomAD compares: Non-Finnish European, 0.0012%; no homozygotes.

Submissions (6):

Labcorp Genetics (formerly Invitae), Labcorp
Classification: Likely benign for Microcephaly, normal intelligence and immunodeficiency. Last evaluated: 2025-12-30. Review status: criteria provided, single submitter. Criteria: Invitae Variant Classification Sherloc (09022015). Collection method: clinical testing. Allele origin: germline.

CeGaT Center for Human Genetics Tuebingen
Classification: Likely benign. Last evaluated: 2024-01-01. Review status: criteria provided, single submitter. Criteria: CeGaT Center For Human Genetics Tuebingen Variant Classification Criteria Version 2. Collection method: clinical testing. Allele origin: germline. Affected: yes. Observed: 2 variant alleles.
Comment: NBN: BP4, BP7

GeneDx
Classification: Likely benign. Last evaluated: 2021-06-13. Review status: criteria provided, single submitter. Criteria: GeneDx Variant Classification Process June 2021. Collection method: clinical testing. Allele origin: germline. Affected: yes.

Sema4
Classification: Likely benign for Hereditary cancer-predisposing syndrome. Last evaluated: 2021-04-28. Review status: criteria provided, single submitter. Criteria: Sema4 Curation Guidelines. Collection method: curation. Allele origin: germline.

Women's Health and Genetics/Laboratory Corporation of America, LabCorp
Classification: Likely benign. Last evaluated: 2019-08-29. Review status: criteria provided, single submitter. Criteria: LabCorp Variant Classification Summary - May 2015. Collection method: clinical testing. Allele origin: germline.

Ambry Genetics
Classification: Likely benign for Hereditary cancer-predisposing syndrome. Last evaluated: 2015-09-14. Review status: criteria provided, single submitter. Criteria: Ambry Variant Classification Scheme 2023. Collection method: clinical testing. Allele origin: germline.